The following is an entry in ClinVar:

ClinVar aggregate classification (germline): Uncertain significance (1 of 4 stars; one submission).

Conditions:
Inborn genetic diseases. Identifiers: MedGen C0950123, MeSH D030342.

gnomAD v4.1: 1 of 1,602,526 alleles (0.000062%); highest among the groups gnomAD compares: South Asian, 0.0011%; no homozygotes.

Submission:

Ambry Genetics
Classification: Uncertain significance for Inborn genetic diseases. Last evaluated: 2023-12-31. Review status: criteria provided, single submitter. Criteria: Ambry Variant Classification Scheme 2023. Collection method: clinical testing. Allele origin: germline.
Comment: The p.D283A variant (also known as c.848A>C), located in coding exon 10 of the ERCC2 gene, results from an A to C substitution at nucleotide position 848. The aspartic acid at codon 283 is replaced by alanine, an amino acid with dissimilar properties. This amino acid position is conserved. In addition, the in silico prediction for this alteration is inconclusive. Since supporting evidence is limited at this time, the clinical significance of this alteration remains unclear.

NM_000400.4(ERCC2):c.848A>C (p.Asp283Ala)

Gene: ERCC2 (ERCC excision repair 2, TFIIH core complex helicase subunit; minus strand). Cytogenetic location: 19q13.32.
Variant type: single nucleotide variant.
Coding change: c.848A>C on transcript NM_000400.4 (MANE Select); coding-DNA position 848, A replaced by C.
Protein change: p.Asp283Ala; replaces aspartic acid 283 with alanine.
Molecular consequence: missense variant.
Genome position (GRCh38, 1-based): chr19:45,364,087, T>G on the plus strand (A>C on the coding strand, the complement: ERCC2 is on the minus strand). VCF-style: chr19-45364087-T-G. GRCh37 (hg19) VCF-style: chr19-45867345-T-G.
Other names: c.776A>C, p.Asp259Ala (NM_001130867.2); short protein forms D259A, D283A.
Identifiers: ClinVar variation 3231716 (VCV003231716.1), dbSNP rs571265507, ClinGen allele CA406373725.
Genomic context (GRCh38, chr19:45,364,087, plus strand): 5'-GCGTCCGTCTCCCGGGCGGCGCTGGCCTCCCGCAGCCCCTCCACCAGACGCCGGTACTCG[T>G]CCCGCAGGCGCTGCTCGTCTGTCTCTTTGATCCTGCGGAGAGATGAGCTGGGGCTGGGAG-3'
Protein context (NP_000391.1, residues 273-293): IKETDEQRLR[Asp283Ala]EYRRLVEGLR